The following is an entry in ClinVar:

NM_001164508.2(NEB):c.6499G>T (p.Glu2167Ter)

Gene: NEB (nebulin; minus strand). Cytogenetic location: 2q23.3.
Variant type: single nucleotide variant.
Coding change: c.6499G>T on transcript NM_001164508.2 (MANE Select); coding-DNA position 6499, G replaced by T.
Protein change: p.Glu2167Ter; replaces glutamic acid 2167 with a stop codon.
Molecular consequence: nonsense.
Genome position (GRCh38, 1-based): chr2:151,656,020, C>A on the plus strand (G>T on the coding strand, the complement: NEB is on the minus strand). VCF-style: chr2-151656020-C-A. GRCh37 (hg19) VCF-style: chr2-152512534-C-A.
Other names: c.6499G>T, p.Glu2167Ter (NM_001164507.2, NM_001271208.2, NM_004543.5); short protein forms E2167*.
Identifiers: ClinVar variation 5014119 (VCV005014119.1).

ClinVar aggregate classification (germline): Pathogenic (1 of 4 stars; one submission).

Conditions:
Nemaline myopathy 2 (NEM2). Also called: Nemaline myopathy 2, autosomal recessive. Identifiers: MedGen C1850569, MONDO:0009725, OMIM 256030.

Submission:

Myriad Genetics, Inc.
Classification: Pathogenic for Nemaline myopathy 2. Last evaluated: 2025-02-21. Review status: criteria provided, single submitter. Criteria: Myriad Autosomal Dominant, Autosomal Recessive and X-Linked Classification Criteria (2023). Collection method: clinical testing. Allele origin: unknown.
Comment: NM_001271208.1(NEB):c.6499G>T(E2167*) is expected to be pathogenic in the context of NEB-related nemaline myopathy. This variant is predicted to lead to an abnormal or absent protein product due to the creation of a premature termination codon in NEB, a gene where loss-of-function variants are known to be pathogenic. Please note: this variant was assessed in the context of healthy population screening.